The following is an entry in ClinVar:

ClinVar aggregate classification (germline): Likely benign. Review status: criteria provided, multiple submitters, no conflicts (2 of 4 stars). 3 submissions from 3 submitters: Likely benign (3). Last evaluated 2021-10-07.

Conditions:
Cardiovascular phenotype. Identifiers: MedGen CN230736.
Autosomal recessive limb-girdle muscular dystrophy type 2J (LGMDR10). Also called: MUSCULAR DYSTROPHY, LIMB-GIRDLE, AUTOSOMAL RECESSIVE 10; Limb-girdle muscular dystrophy, type 2J. Identifiers: Orphanet 140922, MedGen C1837342, MONDO:0012127, OMIM 608807.
Dilated cardiomyopathy 1G (CMD1G). Identifiers: Orphanet 154, MedGen C1858763, MONDO:0011400, OMIM 604145.

Allele frequency attached by ClinVar (database versions not stated): gnomAD exomes below 0.00001; gnomAD 0.00002 and 0.00003; TOPMed 0.00002; 1000 Genomes Project 0.00020; 1000 Genomes Project 30x 0.00031.
gnomAD v4.1: 6 of 1,613,368 alleles (0.00037%); highest among the groups gnomAD compares: African/African-American, 0.008%; no homozygotes.

Submissions (3):

Ambry Genetics
Classification: Likely benign for Cardiovascular phenotype. Last evaluated: 2021-10-07. Review status: criteria provided, single submitter. Criteria: Ambry Variant Classification Scheme 2023. Collection method: clinical testing. Allele origin: germline.

Labcorp Genetics (formerly Invitae), Labcorp
Classification: Likely benign for Dilated cardiomyopathy 1G; Autosomal recessive limb-girdle muscular dystrophy type 2J. Last evaluated: 2021-01-24. Review status: criteria provided, single submitter. Criteria: Invitae Variant Classification Sherloc (09022015). Collection method: clinical testing. Allele origin: germline.

GeneDx
Classification: Likely benign. Last evaluated: 2018-02-28. Review status: criteria provided, single submitter. Criteria: GeneDx Variant Classification (06012015). Collection method: clinical testing. Allele origin: germline. Affected: yes.
Comment: This variant is considered likely benign or benign based on one or more of the following criteria: it is a conservative change, it occurs at a poorly conserved position in the protein, it is predicted to be benign by multiple in silico algorithms, and/or has population frequency not consistent with disease.

NM_001267550.2(TTN):c.60381T>A (p.Val20127=)

Genes: TTN (titin; minus strand), TTN-AS1 (TTN antisense RNA 1; plus strand). Cytogenetic location: 2q31.2.
Variant type: single nucleotide variant.
Coding change: c.60381T>A on transcript NM_001267550.2 (MANE Select); coding-DNA position 60381, T replaced by A.
Protein change: p.Val20127=; no amino-acid change (valine 20127 retained).
Molecular consequence: synonymous variant.
Genome position (GRCh38, 1-based): chr2:178,591,344, A>T on the plus strand (T>A on the coding strand, the complement: TTN is on the minus strand). VCF-style: chr2-178591344-A-T. GRCh37 (hg19) VCF-style: chr2-179456071-A-T.
Other names: c.55458T>A, p.Val18486= (NM_001256850.1); c.33186T>A, p.Val11062= (NM_003319.4); c.52677T>A, p.Val17559= (NM_133378.4); c.33561T>A, p.Val11187= (NM_133432.3); c.33762T>A, p.Val11254= (NM_133437.4).
Identifiers: ClinVar variation 515878 (VCV000515878.11), dbSNP rs570215155, ClinGen allele CA60969837.